The following is an entry in ClinVar:

NM_000393.5(COL5A2):c.906+14A>G

Gene: COL5A2 (collagen type V alpha 2 chain; minus strand). Cytogenetic location: 2q32.2.
Variant type: single nucleotide variant.
Coding change: c.906+14A>G on transcript NM_000393.5 (MANE Select); 14 bases into the intron after coding-DNA position 906, A replaced by G.
Molecular consequence: intron variant.
Genome position (GRCh38, 1-based): chr2:189,080,976, T>C on the plus strand (A>G on the coding strand, the complement: COL5A2 is on the minus strand). VCF-style: chr2-189080976-T-C. GRCh37 (hg19) VCF-style: chr2-189945702-T-C.
Identifiers: ClinVar variation 256005 (VCV000256005.9), dbSNP rs768645507, ClinGen allele CA2022910.

ClinVar aggregate classification (germline): Likely benign. Review status: criteria provided, multiple submitters, no conflicts (2 of 4 stars). 3 submissions from 3 submitters: Likely benign (3). Last evaluated 2024-04-15.

Conditions:
Ehlers-Danlos syndrome, classic type, 1 (EDSCL1). Also called: Ehlers-Danlos Syndrome, Classic Type, COL5A1-Related; EHLERS-DANLOS SYNDROME, GRAVIS TYPE; EHLERS-DANLOS SYNDROME, SEVERE CLASSIC TYPE; Ehlers-Danlos syndrome, type 1; EDS I. Identifiers: MedGen C0268335, MONDO:0019567, OMIM 130000.

Allele frequency attached by ClinVar (database versions not stated): ExAC 0.00002; gnomAD exomes 0.00004 and 0.00001; TOPMed 0.00004; gnomAD 0.00005 and 0.00006.
gnomAD v4.1: 20 of 1,609,574 alleles (0.0012%); highest among the groups gnomAD compares: African/African-American, 0.016%; no homozygotes.

Submissions (3):

Labcorp Genetics (formerly Invitae), Labcorp
Classification: Likely benign for Ehlers-Danlos syndrome, classic type, 1. Last evaluated: 2024-04-15. Review status: criteria provided, single submitter. Criteria: Invitae Variant Classification Sherloc (09022015). Collection method: clinical testing. Allele origin: germline.

GeneDx
Classification: Likely benign. Last evaluated: 2016-03-31. Review status: criteria provided, single submitter. Criteria: GeneDx Variant Classification (06012015). Collection method: clinical testing. Allele origin: germline. Affected: yes.
Comment: This variant is considered likely benign or benign based on one or more of the following criteria: it is a conservative change, it occurs at a poorly conserved position in the protein, it is predicted to be benign by multiple in silico algorithms, and/or has population frequency not consistent with disease.

PreventionGenetics, part of Exact Sciences
Classification: Likely benign. Review status: criteria provided, single submitter. Criteria: ACMG Guidelines, 2015. Collection method: clinical testing. Allele origin: germline.